The following is an entry in ClinVar:

ClinVar aggregate classification (germline): Uncertain significance (1 of 4 stars; one submission).

Conditions:
Hereditary cancer-predisposing syndrome. Also called: Tumor predisposition; Hereditary Cancer Syndrome; Neoplastic Syndromes, Hereditary; Hereditary neoplastic syndrome. Identifiers: Orphanet 140162, MedGen C0027672, MeSH D009386, MONDO:0015356.

Submission:

Ambry Genetics
Classification: Uncertain significance for Hereditary cancer-predisposing syndrome. Last evaluated: 2024-02-06. Review status: criteria provided, single submitter. Criteria: Ambry Variant Classification Scheme 2023. Collection method: clinical testing. Allele origin: germline.
Comment: The p.V951I variant (also known as c.2851G>A), located in coding exon 18 of the RAD50 gene, results from a G to A substitution at nucleotide position 2851. The valine at codon 951 is replaced by isoleucine, an amino acid with highly similar properties. This amino acid position is not well conserved in available vertebrate species. In addition, this alteration is predicted to be tolerated by in silico analysis. Since supporting evidence is limited at this time, the clinical significance of this alteration remains unclear.

NM_005732.4(RAD50):c.2851G>A (p.Val951Ile)

Gene: RAD50 (RAD50 double strand break repair protein; plus strand). Cytogenetic location: 5q31.1.
Variant type: single nucleotide variant.
Coding change: c.2851G>A on transcript NM_005732.4 (MANE Select); coding-DNA position 2851, G replaced by A.
Protein change: p.Val951Ile; replaces valine 951 with isoleucine.
Molecular consequence: missense variant.
Genome position (GRCh38, 1-based): chr5:132,609,138, G>A. VCF-style: chr5-132609138-G-A. GRCh37 (hg19) VCF-style: chr5-131944830-G-A.
Other names: short protein forms V951I.
Identifiers: ClinVar variation 1796846 (VCV001796846.2), dbSNP rs1257399328, ClinGen allele CA360959482.